The following is an entry in ClinVar:

NM_005359.6(SMAD4):c.-1A>C

Gene: SMAD4 (SMAD family member 4; plus strand). Cytogenetic location: 18q21.2.
Variant type: single nucleotide variant.
Coding change: c.-1A>C on transcript NM_005359.6 (MANE Select); 1 bases upstream of the start codon, A replaced by C.
Molecular consequence: 5 prime UTR variant. On other transcripts: non-coding transcript variant (2).
Genome position (GRCh38, 1-based): chr18:51,047,046, A>C. VCF-style: chr18-51047046-A-C. GRCh37 (hg19) VCF-style: chr18-48573416-A-C.
Other names: c.-1A>C (NM_001407041.1, NM_001407042.1, NM_001407043.1).
Identifiers: ClinVar variation 2774519 (VCV002774519.3), dbSNP rs2144400108, ClinGen allele CA2697555499.

ClinVar aggregate classification (germline): Uncertain significance. Review status: criteria provided, multiple submitters, no conflicts (2 of 4 stars). 2 submissions from 2 submitters: Uncertain significance (2). Last evaluated 2025-05-06.

Conditions:
Hereditary cancer-predisposing syndrome. Also called: Neoplastic Syndromes, Hereditary; Tumor predisposition; Hereditary Cancer Syndrome; Hereditary neoplastic syndrome. Identifiers: Orphanet 140162, MedGen C0027672, MeSH D009386, MONDO:0015356.
Familial thoracic aortic aneurysm and aortic dissection (TAAD). Also called: Thoracic aortic aneurysms and dissections. Identifiers: Orphanet 91387, MedGen C4707243, MONDO:0019625.

Submissions (2):

Ambry Genetics
Classification: Uncertain significance for Hereditary cancer-predisposing syndrome; Familial thoracic aortic aneurysm and aortic dissection. Last evaluated: 2025-05-06. Review status: criteria provided, single submitter. Criteria: Ambry Variant Classification Scheme 2023. Collection method: clinical testing. Allele origin: germline.
Comment: The c.-1A>C variant is located in the 5' untranslated region (5&rsquo; UTR) of the SMAD4 gene. This variant results from an A to C substitution 1 bases upstream from the first translated codon. This nucleotide position is well conserved in available vertebrate species. Based on the available evidence, the clinical significance of this variant remains unclear.

Color Diagnostics, LLC DBA Color Health
Classification: Uncertain significance for Hereditary cancer-predisposing syndrome. Last evaluated: 2024-01-04. Review status: criteria provided, single submitter. Criteria: ACMG Guidelines, 2015. Collection method: clinical testing. Allele origin: germline.
Comment: This variant causes an A to C nucleotide change at the -1 position in the 5' untranslated region of the SMAD4 gene. To our knowledge, functional studies have not been reported for this variant. This variant has not been reported in individuals affected with SMAD4-related disorders in the literature. This variant has not been identified in the general population by the Genome Aggregation Database (gnomAD). The available evidence is insufficient to determine the role of this variant in disease conclusively. Therefore, this variant is classified as a Variant of Uncertain Significance.